The following is an entry in ClinVar:

ClinVar aggregate classification (germline): Pathogenic. Review status: criteria provided, single submitter (1 of 4 stars). 2 submissions from 2 submitters: Pathogenic (1). 1 of the submissions does not count toward it. Last evaluated 2022-07-11.

Conditions:
Granulomatous disease, chronic, X-linked. Also called: CYTOCHROME b-NEGATIVE GRANULOMATOUS DISEASE, CHRONIC, X-LINKED; GRANULOMATOUS DISEASE, CHRONIC, X-LINKED, SOMATIC MOSAIC. Identifiers: Orphanet 379, MedGen C1844376, MONDO:0010600, OMIM 306400.

Submissions (2):

Labcorp Genetics (formerly Invitae), Labcorp
Classification: Pathogenic for Granulomatous disease, chronic, X-linked. Last evaluated: 2022-07-11. Review status: criteria provided, single submitter. Criteria: Invitae Variant Classification Sherloc (09022015). Collection method: clinical testing. Allele origin: germline.
Comment: This variant is not present in population databases (gnomAD no frequency). For these reasons, this variant has been classified as Pathogenic. This variant disrupts the p.Gly408 amino acid residue in CYBB. Other variant(s) that disrupt this residue have been determined to be pathogenic (PMID: 8634410, 9585602, 10627478, 29560547). This suggests that this residue is clinically significant, and that variants that disrupt this residue are likely to be disease-causing. Experimental studies have shown that this missense change affects CYBB function (PMID: 20724480). Advanced modeling of protein sequence and biophysical properties (such as structural, functional, and spatial information, amino acid conservation, physicochemical variation, residue mobility, and thermodynamic stability) performed at Invitae indicates that this missense variant is expected to disrupt CYBB protein function. ClinVar contains an entry for this variant (Variation ID: 68376). This missense change has been observed in individuals with chronic granulomatous disease (CGD) (PMID: 9585602, 18773283, 22562447). This sequence change replaces glycine, which is neutral and non-polar, with arginine, which is basic and polar, at codon 408 of the CYBB protein (p.Gly408Arg).

UniProtKB/Swiss-Prot
No classification provided. Review status: no classification provided. Collection method: not provided. Allele origin: not provided. Not counted in ClinVar's aggregate classification.

Literature cited by the submitters: PubMed 8634410 (cited by Labcorp Genetics (formerly Invitae), Labcorp); PubMed 9585602 (cited by Labcorp Genetics (formerly Invitae), Labcorp); PubMed 10627478 (cited by Labcorp Genetics (formerly Invitae), Labcorp); PubMed 29560547 (cited by Labcorp Genetics (formerly Invitae), Labcorp); PubMed 20724480 (cited by Labcorp Genetics (formerly Invitae), Labcorp); PubMed 18773283 (cited by Labcorp Genetics (formerly Invitae), Labcorp); PubMed 22562447 (cited by Labcorp Genetics (formerly Invitae), Labcorp).

NM_000397.4(CYBB):c.1222G>A (p.Gly408Arg)

Gene: CYBB (cytochrome b-245 beta chain; plus strand). Cytogenetic location: Xp11.4.
Variant type: single nucleotide variant.
Coding change: c.1222G>A on transcript NM_000397.4 (MANE Select); coding-DNA position 1222, G replaced by A.
Protein change: p.Gly408Arg; replaces glycine 408 with arginine.
Molecular consequence: missense variant.
Genome position (GRCh38, 1-based): chrX:37,805,076, G>A. VCF-style: chrX-37805076-G-A. GRCh37 (hg19) VCF-style: chrX-37664329-G-A.
Other names: short protein forms G408R.
Identifiers: ClinVar variation 68376 (VCV000068376.6), dbSNP rs151344473, ClinGen allele CA219683.